The following is an entry in ClinVar:

NM_001378454.1(ALMS1):c.8489G>A (p.Cys2830Tyr)

Gene: ALMS1 (ALMS1 centrosome and basal body associated protein; plus strand). Cytogenetic location: 2p13.1.
Variant type: single nucleotide variant.
Coding change: c.8489G>A on transcript NM_001378454.1 (MANE Select); coding-DNA position 8489, G replaced by A.
Protein change: p.Cys2830Tyr; replaces cysteine 2830 with tyrosine.
Molecular consequence: missense variant.
Genome position (GRCh38, 1-based): chr2:73,490,448, G>A. VCF-style: chr2-73490448-G-A. GRCh37 (hg19) VCF-style: chr2-73717575-G-A.
Other names: c.8492G>A, p.Cys2831Tyr (NM_015120.4); short protein forms C2831Y, C2830Y.
Identifiers: ClinVar variation 936083 (VCV000936083.15), dbSNP rs369720907, ClinGen allele CA1714478.

ClinVar aggregate classification (germline): Conflicting classifications of pathogenicity. Review status: criteria provided, conflicting classifications (1 of 4 stars). 5 submissions from 5 submitters: Uncertain significance (3); Likely benign (1). 1 of the submissions does not count toward it. Last evaluated 2025-08-14.

Conditions:
Cardiovascular phenotype. Identifiers: MedGen CN230736.
Alstrom syndrome (ALMS). Identifiers: Orphanet 64, MedGen C0268425, MONDO:0008763, OMIM 203800.

Allele frequency attached by ClinVar (database versions not stated): ExAC 0.00001; gnomAD exomes 0.00001; gnomAD 0.00003; TOPMed 0.00004; ESP Exome Variant Server 0.00008.
gnomAD v4.1: 12 of 1,614,026 alleles (0.00074%); highest among the groups gnomAD compares: South Asian, 0.0011%; no homozygotes.

Submissions (5):

Ambry Genetics
Classification: Likely benign for Cardiovascular phenotype. Last evaluated: 2025-08-14. Review status: criteria provided, single submitter. Criteria: Ambry Variant Classification Scheme 2023. Collection method: clinical testing. Allele origin: germline.

GeneDx
Classification: Uncertain significance. Last evaluated: 2024-07-30. Review status: criteria provided, single submitter. Criteria: GeneDx Variant Classification Process June 2021. Collection method: clinical testing. Allele origin: germline. Affected: yes.
Comment: Not observed at significant frequency in large population cohorts (gnomAD); In silico analysis supports that this missense variant has a deleterious effect on protein structure/function; Has not been previously published as pathogenic or benign to our knowledge

Labcorp Genetics (formerly Invitae), Labcorp
Classification: Uncertain significance for Alstrom syndrome. Last evaluated: 2022-08-09. Review status: criteria provided, single submitter. Criteria: Invitae Variant Classification Sherloc (09022015). Collection method: clinical testing. Allele origin: germline.
Comment: This sequence change replaces cysteine, which is neutral and slightly polar, with tyrosine, which is neutral and polar, at codon 2831 of the ALMS1 protein (p.Cys2831Tyr). This variant is present in population databases (rs369720907, gnomAD 0.003%). This variant has not been reported in the literature in individuals affected with ALMS1-related conditions. ClinVar contains an entry for this variant (Variation ID: 936083). Algorithms developed to predict the effect of missense changes on protein structure and function output the following: SIFT: "Not Available"; PolyPhen-2: "Not Available"; Align-GVGD: "Not Available". The tyrosine amino acid residue is found in multiple mammalian species, which suggests that this missense change does not adversely affect protein function. In summary, the available evidence is currently insufficient to determine the role of this variant in disease. Therefore, it has been classified as a Variant of Uncertain Significance.

Fulgent Genetics
Classification: Uncertain significance for Alstrom syndrome. Last evaluated: 2021-11-03. Review status: criteria provided, single submitter. Criteria: ACMG Guidelines, 2015. Collection method: clinical testing. Allele origin: unknown.

Natera, Inc.
Classification: Uncertain significance for Alstrom syndrome. Last evaluated: 2021-06-30. Review status: no assertion criteria provided. Collection method: clinical testing. Allele origin: germline. Not counted in ClinVar's aggregate classification.